The following is an entry in ClinVar:

ClinVar aggregate classification (germline): Uncertain significance (1 of 4 stars; one submission).

Submission:

Labcorp Genetics (formerly Invitae), Labcorp
Classification: Uncertain significance. Last evaluated: 2025-02-24. Review status: criteria provided, single submitter. Criteria: Invitae Variant Classification Sherloc (09022015). Collection method: clinical testing. Allele origin: germline.
Comment: This variant, c.306_308del, results in the deletion of 1 amino acid(s) of the SUCLG2 protein (p.Gly103del), but otherwise preserves the integrity of the reading frame. This variant is present in population databases (rs777182780, gnomAD 0.04%). This variant has not been reported in the literature in individuals affected with SUCLG2-related conditions. Experimental studies and prediction algorithms are not available or were not evaluated, and the functional significance of this variant is currently unknown. In summary, the available evidence is currently insufficient to determine the role of this variant in disease. Therefore, it has been classified as a Variant of Uncertain Significance.

NM_003848.4(SUCLG2):c.303AGG[1] (p.Gly103del)

Gene: SUCLG2 (succinate-CoA ligase GDP-forming subunit beta; minus strand). Cytogenetic location: 3p14.1.
Variant type: Microsatellite.
Coding change: c.303AGG[1] on transcript NM_003848.4 (MANE Select); one copy of the 3-base unit AGG starting at c.303; the reference has two copies in a row; one copy, 3 bases deleted.
Protein change: p.Gly103del; deletes glycine 103.
Molecular consequence: inframe deletion.
Genome position (GRCh38, 1-based): chr3:67,529,105-67,529,107, CCT deleted on the plus strand (AGG on the coding strand, the reverse complement: SUCLG2 is on the minus strand); deleting any 3 consecutive bases within chr3:67,529,105-67,529,110 gives the same sequence; the position shown is the placement nearest the transcript's 3' end. VCF-style (leftmost placement, unchanged base first): chr3-67529104-ACCT-A. GRCh37 (hg19) VCF-style: chr3-67579528-ACCT-A.
Other names: c.303AGG[1], p.Gly103del (NM_001177599.2); short protein forms G103del.
Identifiers: ClinVar variation 2066807 (VCV002066807.4), dbSNP rs777182780, ClinGen allele CA2486085.
Genomic context (GRCh38, chr3:67,529,104, plus strand): 5'-ACTGCTTGGCCAAAAGACAAGGAATAACAACCTCCAGACTTACTCTTTTGTTAAATGAAC[ACCT>A]CCTTTCAAACCACTATTGAAGACACCTTTTCCTCTTCCTCCAGCTAAGATCTGGGCTTTT-3'